The following is an entry in ClinVar:

NM_000219.6(KCNE1):c.171C>A (p.Phe57Leu)

Gene: KCNE1 (potassium voltage-gated channel subfamily E regulatory subunit 1; minus strand). Cytogenetic location: 21q22.12.
Variant type: single nucleotide variant.
Coding change: c.171C>A on transcript NM_000219.6 (MANE Select); coding-DNA position 171, C replaced by A.
Protein change: p.Phe57Leu; replaces phenylalanine 57 with leucine.
Molecular consequence: missense variant.
Genome position (GRCh38, 1-based): chr21:34,449,464, G>T on the plus strand (C>A on the coding strand, the complement: KCNE1 is on the minus strand). VCF-style: chr21-34449464-G-T. GRCh37 (hg19) VCF-style: chr21-35821762-G-T.
Other names: c.171C>A, p.Phe57Leu (NM_001127668.4, NM_001127669.4, NM_001127670.4 and 4 more transcripts); short protein forms F57L.
Identifiers: ClinVar variation 3374236 (VCV003374236.2).

Conditions:
Long QT syndrome 5 (LQT5). Identifiers: Orphanet 101016, Orphanet 768, MedGen C1867904, MONDO:0013372, OMIM 613695.

Submission:

Roden Lab, Vanderbilt University Medical Center
No classification provided (evidence only). Condition: Long QT syndrome 5. Review status: no classification provided. Collection method: in vitro. Allele origin: not applicable. Functional consequence: Effect on ion channel function.
ClinVar note: "not provided" was previously submitted as the classification for the variant. However, the classification appeared to be based only on an observation of functional data so it was converted to no classification on 2025-07-30.